The following is an entry in ClinVar:

NM_004385.5(VCAN):c.536T>C (p.Ile179Thr)

Gene: VCAN (versican; plus strand). Cytogenetic location: 5q14.2.
Variant type: single nucleotide variant.
Coding change: c.536T>C on transcript NM_004385.5 (MANE Select); coding-DNA position 536, T replaced by C.
Protein change: p.Ile179Thr; replaces isoleucine 179 with threonine.
Molecular consequence: missense variant.
Genome position (GRCh38, 1-based): chr5:83,493,636, T>C. VCF-style: chr5-83493636-T-C. GRCh37 (hg19) VCF-style: chr5-82789455-T-C.
Other names: c.536T>C, p.Ile179Thr (NM_001126336.3, NM_001164097.2, NM_001164098.2); short protein forms I179T.
Identifiers: ClinVar variation 2074800 (VCV002074800.5), dbSNP rs2478972864, ClinGen allele CA360296250.

ClinVar aggregate classification (germline): Uncertain significance. Review status: criteria provided, multiple submitters, no conflicts (2 of 4 stars). 2 submissions from 2 submitters: Uncertain significance (2). Last evaluated 2022-02-23.

Submissions (2):

Labcorp Genetics (formerly Invitae), Labcorp
Classification: Uncertain significance. Last evaluated: 2022-02-23. Review status: criteria provided, single submitter. Criteria: Invitae Variant Classification Sherloc (09022015). Collection method: clinical testing. Allele origin: germline.
Comment: Algorithms developed to predict the effect of missense changes on protein structure and function (SIFT, PolyPhen-2, Align-GVGD) all suggest that this variant is likely to be disruptive. In summary, the available evidence is currently insufficient to determine the role of this variant in disease. Therefore, it has been classified as a Variant of Uncertain Significance. This sequence change replaces isoleucine, which is neutral and non-polar, with threonine, which is neutral and polar, at codon 179 of the VCAN protein (p.Ile179Thr). This variant is not present in population databases (gnomAD no frequency). This variant has not been reported in the literature in individuals affected with VCAN-related conditions.

Blueprint Genetics
Classification: Uncertain significance. Last evaluated: 2022-01-05. Review status: criteria provided, single submitter. Criteria: ACMG Guidelines, 2015. Collection method: clinical testing. Allele origin: germline.